The following is an entry in ClinVar:

ClinVar aggregate classification (germline): Likely pathogenic. Review status: criteria provided, single submitter (1 of 4 stars). 2 submissions from 2 submitters: Likely pathogenic (1). 1 of the submissions does not count toward it. Last evaluated 2022-09-08.

Conditions:
Finnish congenital nephrotic syndrome (NPHS1). Also called: NEPHROTIC SYNDROME, TYPE 1. Identifiers: Orphanet 839, MedGen C0403399, MONDO:0009732, OMIM 256300.

gnomAD v4.1: 1 of 1,613,628 alleles (0.000062%); highest among the groups gnomAD compares: South Asian, 0.0011%; no homozygotes.

Submissions (2):

Labcorp Genetics (formerly Invitae), Labcorp
Classification: Likely pathogenic. Last evaluated: 2022-09-08. Review status: criteria provided, single submitter. Criteria: Invitae Variant Classification Sherloc (09022015). Collection method: clinical testing. Allele origin: germline.
Comment: ClinVar contains an entry for this variant (Variation ID: 553028). This sequence change affects an acceptor splice site in intron 24 of the NPHS1 gene. It is expected to disrupt RNA splicing. Variants that disrupt the donor or acceptor splice site typically lead to a loss of protein function (PMID: 16199547), and loss-of-function variants in NPHS1 are known to be pathogenic (PMID: 11317351, 11854170, 12039988). This variant is not present in population databases (gnomAD no frequency). This variant has not been reported in the literature in individuals affected with NPHS1-related conditions. Algorithms developed to predict the effect of sequence changes on RNA splicing suggest that this variant may disrupt the consensus splice site. In summary, the currently available evidence indicates that the variant is pathogenic, but additional data are needed to prove that conclusively. Therefore, this variant has been classified as Likely Pathogenic.

Counsyl
Classification: Likely pathogenic for Finnish congenital nephrotic syndrome. Last evaluated: 2017-07-25. Review status: no assertion criteria provided. Collection method: clinical testing. Allele origin: unknown. Not counted in ClinVar's aggregate classification.

Literature cited by the submitters: PubMed 16199547 (cited by Labcorp Genetics (formerly Invitae), Labcorp); PubMed 11317351 (cited by Labcorp Genetics (formerly Invitae), Labcorp); PubMed 11854170 (cited by Labcorp Genetics (formerly Invitae), Labcorp); PubMed 12039988 (cited by Labcorp Genetics (formerly Invitae), Labcorp).

NM_004646.4(NPHS1):c.3287-2A>G

Gene: NPHS1 (NPHS1 adhesion molecule, nephrin; minus strand). Cytogenetic location: 19q13.12.
Variant type: single nucleotide variant.
Coding change: c.3287-2A>G on transcript NM_004646.4 (MANE Select); the canonical splice acceptor site of the intron before coding-DNA position 3287, A replaced by G.
Molecular consequence: splice acceptor variant.
Genome position (GRCh38, 1-based): chr19:35,831,502, T>C on the plus strand (A>G on the coding strand, the complement: NPHS1 is on the minus strand). VCF-style: chr19-35831502-T-C. GRCh37 (hg19) VCF-style: chr19-36322404-T-C.
Identifiers: ClinVar variation 553028 (VCV000553028.11), dbSNP rs758432802, ClinGen allele CA405417105.